The following is an entry in ClinVar:

ClinVar aggregate classification (germline): Pathogenic (1 of 4 stars; one submission).

Conditions:
Hereditary factor VIII deficiency disease (HEMA). Also called: HEMOPHILIA, CLASSIC; AUTOSOMAL HEMOPHILIA A; Hemophilia A; Hemophilia A, congenital; HEM A; Factor 8 deficiency, congenital. Identifiers: Orphanet 98878, MedGen C0019069, MONDO:0010602, OMIM 306700.

Submission:

Women's Health and Genetics/Laboratory Corporation of America, LabCorp
Classification: Pathogenic for Hereditary factor VIII deficiency disease. Last evaluated: 2025-05-27. Review status: criteria provided, single submitter. Criteria: LabCorp Variant Classification Summary - May 2015. Collection method: clinical testing. Allele origin: germline.
Comment: Variant summary: The variant involves the deletion of exons 15-20 in the F8 gene. A presumed nomenclature of c.(5219+1_5220-1)_(6187+1_6188-1)del has been designated for the purposes of this classification. This Copy Number Variant (CNV) is expected to alter the reading frame and predicted to result in a truncation or absence of the encoded protein due to nonsense mediated decay (NMD). The variant was absent in 16120 control chromosomes (gnomAD). To our knowledge, no occurrence of c.(5219+1_5220-1)_(6187+1_6188-1)del in individuals affected with Factor VIII Deficiency (Hemophilia A) and no experimental evidence demonstrating its impact on protein function have been reported. No submitters have cited clinical-significance assessments for this variant to ClinVar. Based on the evidence outlined above, the variant was classified as pathogenic.

NC_000023.10:g.(154128227_154129645)_(154134849_154156845)del

Gene: F8 (coagulation factor VIII; minus strand). Cytogenetic location: Xq28.
Variant type: Deletion.
Identifiers: ClinVar variation 3902660 (VCV003902660.1).